The following is an entry in ClinVar:

ClinVar aggregate classification (germline): Uncertain significance. Review status: criteria provided, multiple submitters, no conflicts (2 of 4 stars). 4 submissions from 4 submitters: Uncertain significance (4). Last evaluated 2024-10-29.

Conditions:
Mismatch repair cancer syndrome 3. Identifiers: MedGen C5436807, MONDO:0030841, OMIM 619097.
Endometrial carcinoma. Also called: Endometrial carcinoma, somatic. Identifiers: MedGen C0476089, MONDO:0002447, OMIM 608089, HP:0012114.
Lynch syndrome 5 (LYNCH5). Also called: Colorectal cancer, hereditary nonpolyposis, type 5; Hereditary non-polyposis colorectal cancer, type 5. Identifiers: Orphanet 144, MedGen C1833477, MONDO:0013710, OMIM 614350. Disease mechanism: loss of function.
Hereditary nonpolyposis colorectal neoplasms. Identifiers: MedGen C0009405, MeSH D003123.
Hereditary cancer-predisposing syndrome. Also called: Hereditary Cancer Syndrome; Neoplastic Syndromes, Hereditary; Tumor predisposition; Hereditary neoplastic syndrome. Identifiers: Orphanet 140162, MedGen C0027672, MeSH D009386, MONDO:0015356.

Allele frequency attached by ClinVar (database versions not stated): TOPMed below 0.00001.

Submissions (4):

Department of Pathology and Laboratory Medicine, Sinai Health System
Classification: Uncertain significance for Endometrial carcinoma; Lynch syndrome 5; Mismatch repair cancer syndrome 3. Last evaluated: 2024-10-29. Review status: criteria provided, single submitter. Criteria: ACMG Guidelines, 2015. Collection method: clinical testing. Allele origin: germline.

Labcorp Genetics (formerly Invitae), Labcorp
Classification: Uncertain significance for Hereditary nonpolyposis colorectal neoplasms. Last evaluated: 2024-05-18. Review status: criteria provided, single submitter. Criteria: Invitae Variant Classification Sherloc (09022015). Collection method: clinical testing. Allele origin: germline.
Comment: This sequence change replaces asparagine, which is neutral and polar, with threonine, which is neutral and polar, at codon 1259 of the MSH6 protein (p.Asn1259Thr). This variant is not present in population databases (gnomAD no frequency). This variant has not been reported in the literature in individuals affected with MSH6-related conditions. ClinVar contains an entry for this variant (Variation ID: 479880). Advanced modeling of protein sequence and biophysical properties (such as structural, functional, and spatial information, amino acid conservation, physicochemical variation, residue mobility, and thermodynamic stability) performed at Invitae indicates that this missense variant is not expected to disrupt MSH6 protein function with a negative predictive value of 95%. In summary, the available evidence is currently insufficient to determine the role of this variant in disease. Therefore, it has been classified as a Variant of Uncertain Significance.

Ambry Genetics
Classification: Uncertain significance for Hereditary cancer-predisposing syndrome. Last evaluated: 2023-04-25. Review status: criteria provided, single submitter. Criteria: Ambry Variant Classification Scheme 2023. Collection method: clinical testing. Allele origin: germline.
Comment: The p.N1259T variant (also known as c.3776A>C), located in coding exon 8 of the MSH6 gene, results from an A to C substitution at nucleotide position 3776. The asparagine at codon 1259 is replaced by threonine, an amino acid with similar properties. This amino acid position is not well conserved in available vertebrate species. In addition, this alteration is predicted to be tolerated by in silico analysis. Since supporting evidence is limited at this time, the clinical significance of this alteration remains unclear.

Color Diagnostics, LLC DBA Color Health
Classification: Uncertain significance for Hereditary cancer-predisposing syndrome. Last evaluated: 2018-10-19. Review status: criteria provided, single submitter. Criteria: ACMG Guidelines, 2015. Collection method: clinical testing. Allele origin: germline.

NM_000179.3(MSH6):c.3776A>C (p.Asn1259Thr)

Gene: MSH6 (mutS homolog 6; plus strand). Cytogenetic location: 2p16.3.
Variant type: single nucleotide variant.
Coding change: c.3776A>C on transcript NM_000179.3 (MANE Select); coding-DNA position 3776, A replaced by C.
Protein change: p.Asn1259Thr; replaces asparagine 1259 with threonine.
Molecular consequence: missense variant.
Genome position (GRCh38, 1-based): chr2:47,806,333, A>C. VCF-style: chr2-47806333-A-C. GRCh37 (hg19) VCF-style: chr2-48033472-A-C.
Other names: c.3386A>C, p.Asn1129Thr (NM_001281492.2); c.2870A>C, p.Asn957Thr (NM_001281493.2, NM_001281494.2); short protein forms N1259T, N957T, N1129T.
Identifiers: ClinVar variation 479880 (VCV000479880.19), dbSNP rs1258636828, ClinGen allele CA346761141.
Genomic context (GRCh38, chr2:47,806,333, plus strand): 5'-TAAAATGTCGTACATTATTTTCAACTCACTACCATTCATTAGTAGAAGATTATTCTCAAA[A>C]TGTTGCTGTGCGCCTAGGACATATGGTATGTGCAAATTGTTTTTTTCCACAAATTCGGTT-3'
Protein context (NP_000170.1, residues 1249-1269): YHSLVEDYSQ[Asn1259Thr]VAVRLGHMAC